The following is an entry in ClinVar:

ClinVar aggregate classification (germline): Uncertain significance (0 of 4 stars; one submission).

Conditions:
Carcinoma of colon (CRC). Also called: Colonic carcinoma; Colon carcinoma. Identifiers: MedGen C0699790, MONDO:0002032.

Submission:

Immunobiology Lab; University of Kashmir
Classification: Uncertain significance for Carcinoma of colon. Last evaluated: 2015-01-24. Review status: no assertion criteria provided. Collection method: case-control. Allele origin: somatic. Affected: yes. Study: Mutational Hotspot profiling of Tyrosine Kinase domain of VEGF receptors in Human colorectal tumors.
Comment: The variation(s) were confirmed by double pass sequencing of PCR products amplified from genomic DNA of colonic lesions fron colorectal patients

NM_182925.5(FLT4):c.2542+20del

Genes: FLT4 (fms related receptor tyrosine kinase 4; minus strand), LOC126807632 (CDK7 strongly-dependent group 2 enhancer GRCh37_chr5:180046831-180048030; plus strand). Cytogenetic location: 5q35.3.
Variant type: Deletion.
Coding change: c.2542+20del on transcript NM_182925.5 (MANE Select); 20 bases into the intron after coding-DNA position 2542, one base deleted (G; older notation c.2542+20delG).
Molecular consequence: intron variant.
Genome position (GRCh38, 1-based): chr5:180,620,153, C deleted on the plus strand (G on the coding strand, the reverse complement: FLT4 is on the minus strand). VCF-style (leftmost placement, unchanged base first): chr5-180620152-GC-G. GRCh37 (hg19) VCF-style: chr5-180047152-GC-G.
Other names: KM484808; c.2542+20del (NM_001354989.2, NM_002020.5).
Identifiers: ClinVar variation 204339 (VCV000204339.3), dbSNP rs796052097, ClinGen allele CA251272.